The following is an entry in ClinVar:

NM_001330195.2(NRXN3):c.4639C>T (p.Leu1547Phe)

Gene: NRXN3 (neurexin 3; plus strand). Cytogenetic location: 14q31.1.
Variant type: single nucleotide variant.
Coding change: c.4639C>T on transcript NM_001330195.2 (MANE Select); coding-DNA position 4639, C replaced by T.
Protein change: p.Leu1547Phe; replaces leucine 1547 with phenylalanine.
Molecular consequence: missense variant. On other transcripts: non-coding transcript variant (5).
Genome position (GRCh38, 1-based): chr14:79,861,887, C>T. VCF-style: chr14-79861887-C-T. GRCh37 (hg19) VCF-style: chr14-80328230-C-T.
Other names: c.1303C>T, p.Leu435Phe (NM_001105250.3); c.1837C>T, p.Leu613Phe (NM_001272020.2); c.4549C>T, p.Leu1517Phe (NM_001366425.1); c.4330C>T, p.Leu1444Phe (NM_001366426.1); c.3109C>T, p.Leu1037Phe (NM_004796.6); c.1222C>T, p.Leu408Phe (NM_138970.5); short protein forms L613F, L1037F, L1547F, L408F, L1444F, L1517F, L435F.
Identifiers: ClinVar variation 3921983 (VCV003921983.3).

ClinVar aggregate classification (germline): Uncertain significance. Review status: criteria provided, multiple submitters, no conflicts (2 of 4 stars). 2 submissions from 2 submitters: Uncertain significance (2). Last evaluated 2026-01-21.

gnomAD v4.1: 7 of 1,613,920 alleles (0.00043%); highest among the groups gnomAD compares: Admixed American, 0.0033%; no homozygotes.

Submissions (2):

Dasa
Classification: Uncertain significance. Last evaluated: 2026-01-21. Review status: criteria provided, single submitter. Criteria: DASA Assertion Criteria. Collection method: clinical testing. Allele origin: germline.
Comment: NM_001330195.2(NRXN3):c.4639C>T (p.Leu1547Phe) is a missense variant that results in the substitution of leucine with phenylalanine. This variant is rare in population databases. Computational prediction algorithms are consistent with a benign effect. The currently available literature and clinical evidence are not sufficient to establish a definitive association between this variant and the reported condition. Therefore, this variant is classified as a variant of uncertain significance.

Ambry Genetics
Classification: Uncertain significance. Last evaluated: 2025-03-21. Review status: criteria provided, single submitter. Criteria: Ambry Variant Classification Scheme 2023. Collection method: clinical testing. Allele origin: germline.